The following is an entry in ClinVar:

ClinVar aggregate classification (germline): Pathogenic/Likely pathogenic. Review status: criteria provided, multiple submitters, no conflicts (2 of 4 stars). 6 submissions from 6 submitters: Pathogenic (1); Likely pathogenic (5). Last evaluated 2026-07-16.

Conditions:
Hereditary cancer-predisposing syndrome. Also called: Hereditary Cancer Syndrome; Neoplastic Syndromes, Hereditary; Tumor predisposition; Hereditary neoplastic syndrome. Identifiers: Orphanet 140162, MedGen C0027672, MeSH D009386, MONDO:0015356.
Ataxia-telangiectasia syndrome (AT). Also called: Cerebello-oculocutaneous telangiectasia; Immunodeficiency with ataxia telangiectasia; Ataxia-telangiectasia, complementation group E; Ataxia-telangiectasia, complementation group D; AT, COMPLEMENTATION GROUP C; ATAXIA-TELANGIECTASIA, COMPLEMENTATION GROUP A. Identifiers: Orphanet 100, MedGen C0004135, MONDO:0008840, OMIM 208900.
Familial cancer of breast. Also called: BREAST CANCER, FAMILIAL; Hereditary breast cancer; hereditary breast carcinoma. Identifiers: Orphanet 227535, MedGen C0346153, MONDO:0016419, OMIM 114480. Disease mechanism: loss of function.

Submissions (6):

Ambry Genetics
Classification: Likely pathogenic for Hereditary cancer-predisposing syndrome. Last evaluated: 2026-07-16. Review status: criteria provided, single submitter. Criteria: Ambry Variant Classification Scheme 2023. Collection method: clinical testing. Allele origin: germline.
Comment: The c.7629+1G>A intronic variant results from a G to A substitution one nucleotide after coding exon 50 of the ATM gene. This nucleotide position is highly conserved in available vertebrate species. In silico splice site analysis predicts that this alteration will weaken the native splice donor site and may result in the creation or strengthening of a novel splice donor site. RNA studies have demonstrated that this alteration results in abnormal splicing in the set of samples tested (Ambry internal data). This variant is considered to be rare based on population cohorts in the Genome Aggregation Database (gnomAD). Alterations that disrupt the canonical splice site are expected to cause aberrant splicing, resulting in an abnormal protein or a transcript that is subject to nonsense-mediated mRNA decay. As such, this alteration is classified as likely pathogenic.

Labcorp Genetics (formerly Invitae), Labcorp
Classification: Likely pathogenic for Ataxia-telangiectasia syndrome. Last evaluated: 2025-12-08. Review status: criteria provided, single submitter. Criteria: Invitae Variant Classification Sherloc (09022015). Collection method: clinical testing. Allele origin: germline.
Comment: This sequence change affects a donor splice site in intron 51 of the ATM gene. It is expected to disrupt RNA splicing. Variants that disrupt the donor or acceptor splice site typically lead to a loss of protein function (PMID: 16199547), and loss-of-function variants in ATM are known to be pathogenic (PMID: 23807571, 25614872). This variant is not present in population databases (gnomAD no frequency). This variant has not been reported in the literature in individuals affected with ATM-related conditions. ClinVar contains an entry for this variant (Variation ID: 581154). Algorithms developed to predict the effect of sequence changes on RNA splicing suggest that this variant may disrupt the consensus splice site. In summary, the currently available evidence indicates that the variant is pathogenic, but additional data are needed to prove that conclusively. Therefore, this variant has been classified as Likely Pathogenic.

ARUP Laboratories, Molecular Genetics and Genomics, ARUP Laboratories
Classification: Likely pathogenic. Last evaluated: 2024-01-31. Review status: criteria provided, single submitter. Criteria: ARUP Molecular Germline Variant Investigation Process 2024. Collection method: clinical testing. Allele origin: germline.
Comment: The ATM c.7629+1G>A; variant (rs1565532703), to our knowledge, is not reported in the medical literature but is reported in ClinVar (Variation ID: 581154). This variant is absent from the Genome Aggregation Database (v2.1.1), indicating it is not a common polymorphism. This variant disrupts the canonical splice donor site of intron 51, which is likely to negatively impact gene function. Based on available information, this variant is considered to be likely pathogenic.

Myriad Genetics, Inc.
Classification: Likely pathogenic for Familial cancer of breast. Last evaluated: 2024-01-31. Review status: criteria provided, single submitter. Criteria: Myriad Autosomal Dominant, Autosomal Recessive and X-Linked Classification Criteria (2023). Collection method: clinical testing. Allele origin: unknown.
Comment: This variant is considered likely pathogenic. This variant occurs within a consensus splice junction and is predicted to result in abnormal mRNA splicing of either an out-of-frame exon or an in-frame exon necessary for protein stability and/or normal function.

Laboratory for Molecular Medicine, Mass General Brigham Personalized Medicine
Classification: Likely pathogenic for Ataxia-telangiectasia syndrome. Last evaluated: 2022-11-03. Review status: criteria provided, single submitter. Criteria: ACMG Guidelines, 2015. Collection method: clinical testing. Allele origin: germline.
Comment: The c.7629+1G>A variant in ATM has not been reported in individuals with ataxia telangiectasia but it has been reported in ClinVar (Variation ID 581154) and was absent from large population studies. This variant occurs within the canonical splice site (+/- 1,2) and is predicted to cause altered splicing leading to an abnormal or absent protein. Another variant affecting the same splice site was shown to result in exon skipping of exon 52 (NM000051) resulting in an in-frame deletion of 38 amino acids and has bee reported in the compound heterozygous state in an individual with ataxia telangiectasia (Variation ID 232873). Loss of function of the ATM gene is an established disease mechanism in autosomal recessive ataxia telangiectasia. In summary, although additional studies are required to fully establish its clinical significance, this variant meets criteria to be classified as likely pathogenic for autosomal recessive ataxia telangiectasia. ACMG/AMP Criteria applied: PM2_supporting, PVS1.

3billion
Classification: Pathogenic for Ataxia-telangiectasia syndrome. Last evaluated: 2022-09-01. Review status: criteria provided, single submitter. Criteria: ACMG Guidelines, 2015. Collection method: clinical testing. Allele origin: germline. Affected: yes. Observed: 1 homozygote.
Comment: The variant is not observed in the gnomAD v2.1.1 dataset. Canonical splice site is predicted to alter splicing and result in a loss or disruption of normal protein function. Multiple pathogenic loss-of-function variants are reported downstream of the variant. Therefore, this variant is classified as Pathogenic according to the recommendation of ACMG/AMP guideline.

Literature cited by the submitters: PubMed 16199547 (cited by Labcorp Genetics (formerly Invitae), Labcorp); PubMed 23807571 (cited by Labcorp Genetics (formerly Invitae), Labcorp); PubMed 25614872 (cited by Labcorp Genetics (formerly Invitae), Labcorp).

NM_000051.4(ATM):c.7629+1G>A

Genes: ATM (ATM serine/threonine kinase; plus strand), C11orf65 (chromosome 11 open reading frame 65; minus strand). Cytogenetic location: 11q22.3.
Variant type: single nucleotide variant.
Coding change: c.7629+1G>A on transcript NM_000051.4 (MANE Select); the canonical splice donor site of the intron after coding-DNA position 7629, G replaced by A.
Molecular consequence: splice donor variant. On other transcripts: non-coding transcript variant (1), intron variant (2).
Genome position (GRCh38, 1-based): chr11:108,331,558, G>A. VCF-style: chr11-108331558-G-A. GRCh37 (hg19) VCF-style: chr11-108202285-G-A.
Other names: c.7629+1G>A (NM_001351834.2); c.641-22487C>T (NM_001330368.2); c.*38+3662C>T (NM_001351110.2).
Identifiers: ClinVar variation 581154 (VCV000581154.19), dbSNP rs1565532703, ClinGen allele CA382560876.